The following is an entry in ClinVar:

ClinVar aggregate classification (germline): Benign/Likely benign. Review status: criteria provided, multiple submitters, no conflicts (2 of 4 stars). 3 submissions from 3 submitters: Benign (1); Likely benign (2). Last evaluated 2026-09-23.

Conditions:
Neurofibromatosis, type 1 (NF1). Also called: VON RECKLINGHAUSEN DISEASE; NEUROFIBROMATOSIS, TYPE I, SOMATIC; Peripheral type neurofibromatosis; Neurofibromatosis, type I. Identifiers: Orphanet 636, MedGen C0027831, MONDO:0018975, OMIM 162200. Disease mechanism: loss of function.
Cardiovascular phenotype. Identifiers: MedGen CN230736.
Hereditary cancer-predisposing syndrome. Also called: Neoplastic Syndromes, Hereditary; Tumor predisposition; Hereditary neoplastic syndrome; Hereditary Cancer Syndrome. Identifiers: Orphanet 140162, MedGen C0027672, MeSH D009386, MONDO:0015356.

gnomAD v4.1: 1 of 1,609,944 alleles (0.000062%); no homozygotes.

Submissions (3):

Myriad Genetics, Inc.
Classification: Benign for Neurofibromatosis, type 1. Last evaluated: 2026-09-23. Review status: criteria provided, single submitter. Criteria: Myriad Autosomal Dominant, Autosomal Recessive and X-Linked Classification Criteria (2023). Collection method: clinical testing. Allele origin: unknown.
Comment: This variant is considered benign. This variant is a silent/synonymous amino acid change and it is not expected to impact splicing.

Ambry Genetics
Classification: Likely benign for Cardiovascular phenotype; Hereditary cancer-predisposing syndrome. Last evaluated: 2025-05-17. Review status: criteria provided, single submitter. Criteria: Ambry Variant Classification Scheme 2023. Collection method: clinical testing. Allele origin: germline.

Labcorp Genetics (formerly Invitae), Labcorp
Classification: Likely benign for Neurofibromatosis, type 1. Last evaluated: 2024-11-12. Review status: criteria provided, single submitter. Criteria: Invitae Variant Classification Sherloc (09022015). Collection method: clinical testing. Allele origin: germline.

NM_001042492.3(NF1):c.93T>C (p.His31=)

Gene: NF1 (neurofibromin 1; plus strand). Cytogenetic location: 17q11.2.
Variant type: single nucleotide variant.
Coding change: c.93T>C on transcript NM_001042492.3 (MANE Select); coding-DNA position 93, T replaced by C.
Protein change: p.His31=; no amino-acid change (histidine 31 retained).
Molecular consequence: synonymous variant.
Genome position (GRCh38, 1-based): chr17:31,156,015, T>C. VCF-style: chr17-31156015-T-C. GRCh37 (hg19) VCF-style: chr17-29483033-T-C.
Other names: c.93T>C, p.His31= (NM_000267.4, NM_001128147.3).
Identifiers: ClinVar variation 3725074 (VCV003725074.4).